The following is an entry in ClinVar:

ClinVar aggregate classification (germline): Pathogenic (1 of 4 stars; one submission).

Conditions:
Hydrocephalus, nonsyndromic, autosomal recessive 1 (HYC1). Also called: Hydrocephalus, nonsyndromic, autosomal recessive; Congenital hydrocephalus 1. Identifiers: Orphanet 2185, MedGen C3887608, MONDO:0009360, OMIM 236600.

Submission:

Myriad Genetics, Inc.
Classification: Pathogenic for Hydrocephalus, nonsyndromic, autosomal recessive 1. Last evaluated: 2024-05-18. Review status: criteria provided, single submitter. Criteria: Myriad Autosomal Dominant, Autosomal Recessive and X-Linked Classification Criteria (2023). Collection method: clinical testing. Allele origin: unknown.
Comment: NM_001080414.3(CCDC88C):c.3916C>T(Q1306*) is expected to be pathogenic in the context of congenital hydrocephalus, CCDC88C-related. This variant is predicted to lead to an abnormal or absent protein product due to the creation of a premature termination codon in CCDC88C, a gene where loss-of-function variants are known to be pathogenic. Please note: this variant was assessed in the context of healthy population screening.

NM_001080414.4(CCDC88C):c.3916C>T (p.Gln1306Ter)

Gene: CCDC88C (coiled-coil and HOOK domain protein 88C; minus strand). Cytogenetic location: 14q32.11.
Variant type: single nucleotide variant.
Coding change: c.3916C>T on transcript NM_001080414.4 (MANE Select); coding-DNA position 3916, C replaced by T.
Protein change: p.Gln1306Ter; replaces glutamine 1306 with a stop codon.
Molecular consequence: nonsense. On other transcripts: non-coding transcript variant (2).
Genome position (GRCh38, 1-based): chr14:91,297,355, G>A on the plus strand (C>T on the coding strand, the complement: CCDC88C is on the minus strand). VCF-style: chr14-91297355-G-A. GRCh37 (hg19) VCF-style: chr14-91763699-G-A.
Other names: short protein forms Q1306*.
Identifiers: ClinVar variation 5013067 (VCV005013067.1).